The following is an entry in ClinVar:

ClinVar aggregate classification (germline): Uncertain significance. Review status: criteria provided, multiple submitters, no conflicts (2 of 4 stars). 2 submissions from 2 submitters: Uncertain significance (2). Last evaluated 2025-04-18.

Allele frequency attached by ClinVar (database versions not stated): gnomAD exomes below 0.00001; ExAC 0.00003; gnomAD 0.00005; TOPMed 0.00007; ESP Exome Variant Server 0.00008.
gnomAD v4.1: 9 of 1,566,140 alleles (0.00057%); highest among the groups gnomAD compares: African/African-American, 0.012%; no homozygotes.

Submissions (2):

Labcorp Genetics (formerly Invitae), Labcorp
Classification: Uncertain significance. Last evaluated: 2025-04-18. Review status: criteria provided, single submitter. Criteria: Invitae Variant Classification Sherloc (09022015). Collection method: clinical testing. Allele origin: germline.
Comment: This sequence change replaces proline, which is neutral and non-polar, with threonine, which is neutral and polar, at codon 963 of the ANLN protein (p.Pro963Thr). This variant is present in population databases (rs371910885, gnomAD 0.02%). This variant has not been reported in the literature in individuals affected with ANLN-related conditions. ClinVar contains an entry for this variant (Variation ID: 2484806). Invitae Evidence Modeling of protein sequence and biophysical properties (such as structural, functional, and spatial information, amino acid conservation, physicochemical variation, residue mobility, and thermodynamic stability) has been performed for this missense variant. However, the output from this modeling did not meet the statistical confidence thresholds required to predict the impact of this variant on ANLN protein function. In summary, the available evidence is currently insufficient to determine the role of this variant in disease. Therefore, it has been classified as a Variant of Uncertain Significance.

Ambry Genetics
Classification: Uncertain significance. Last evaluated: 2023-02-15. Review status: criteria provided, single submitter. Criteria: Ambry Variant Classification Scheme 2023. Collection method: clinical testing. Allele origin: germline.

NM_018685.5(ANLN):c.2887C>A (p.Pro963Thr)

Gene: ANLN (anillin, actin binding protein; plus strand). Cytogenetic location: 7p14.2.
Variant type: single nucleotide variant.
Coding change: c.2887C>A on transcript NM_018685.5 (MANE Select); coding-DNA position 2887, C replaced by A.
Protein change: p.Pro963Thr; replaces proline 963 with threonine.
Molecular consequence: missense variant.
Genome position (GRCh38, 1-based): chr7:36,439,207, C>A. VCF-style: chr7-36439207-C-A. GRCh37 (hg19) VCF-style: chr7-36478816-C-A.
Other names: c.2776C>A, p.Pro926Thr (NM_001284301.3); c.2773C>A, p.Pro925Thr (NM_001284302.3); short protein forms P925T, P963T, P926T.
Identifiers: ClinVar variation 2484806 (VCV002484806.3), dbSNP rs371910885, ClinGen allele CA4220039.
Genomic context (GRCh38, chr7:36,439,207, plus strand): 5'-CAAGAAAAATCACACTTTGAACCTGTTTTGCAAATAATTTACCTGTTTTCTTTGCAGGTC[C>A]CCTTTTTATCTTCTTTGGAAGGTCATATTTATTTAAAAATAAAATGTCAAGTGAATTCCA-3'
Protein context (NP_061155.2, residues 953-973): GNTKFVLDKV[Pro963Thr]FLSSLEGHIY